The following is an entry in ClinVar:

ClinVar aggregate classification (germline): Pathogenic. Review status: criteria provided, multiple submitters, no conflicts (2 of 4 stars). 7 submissions from 7 submitters: Pathogenic (6). 1 of the submissions does not count toward it. Last evaluated 2025-08-22.

Conditions:
Inborn genetic diseases. Identifiers: MedGen C0950123, MeSH D030342.
Ocular cystinosis. Also called: Non-Nephropathic Cystinosis; Non-Nephropathic (Ocular) Cystinosis. Identifiers: Orphanet 213, Orphanet 411641, MedGen C2931013, MONDO:0009064, OMIM 219750.
Juvenile nephropathic cystinosis. Also called: CYSTINOSIS, LATE-ONSET JUVENILE OR ADOLESCENT NEPHROPATHIC TYPE; Intermediate Cystinosis; Later-Onset (Juvenile) Cystinosis. Identifiers: Orphanet 213, Orphanet 411634, MedGen C0268626, MONDO:0009066, OMIM 219900.
Cystinosis. Also called: Cystine diathesis; Cystine storage disease; Cystinoses. Identifiers: Orphanet 213, MedGen C4316899, MONDO:0016239.
Nephropathic cystinosis (CTNS). Also called: CYSTINOSIN, DEFECT OF; LYSOSOMAL CYSTINE TRANSPORT PROTEIN, DEFECT OF; Abderhalden Lignac Kaufmann disease; Abderhalden-Kaufmann-Lignac syndrome. Identifiers: Orphanet 213, Orphanet 411629, MedGen C2931187, MONDO:0100151, OMIM 219800.
CTNS-related disorder. Also called: CTNS-related condition.

Submissions (7):

Natera, Inc.
Classification: Pathogenic for Cystinosis. Last evaluated: 2025-08-22. Review status: criteria provided, single submitter. Criteria: Natera Variant Classification Schema (03/2026). Collection method: clinical testing. Allele origin: germline.
Comment: The c.926dupG variant in CTNS is a frameshift variant predicted to shift the reading frame beginning at codon 310 and leads to a stop codon 55 codons downstream. This variant is expected to result in nonsense mediated decay, truncation, or a dysfunctional protein product. This variant is rare in the general population with a frequency below the threshold expected for the associated phenotype(s). This variant has been observed in one or more individuals affected with the associated recessive disease, as either homozygous or compound heterozygous with a second variant (PMID: 11528232, 9792862). Given the available evidence, this variant is classified as Pathogenic.

Labcorp Genetics (formerly Invitae), Labcorp
Classification: Pathogenic for Inborn genetic diseases; Ocular cystinosis; Juvenile nephropathic cystinosis. Last evaluated: 2025-01-30. Review status: criteria provided, single submitter. Criteria: Invitae Variant Classification Sherloc (09022015). Collection method: clinical testing. Allele origin: germline.
Comment: This sequence change creates a premature translational stop signal (p.Ser310Glnfs*55) in the CTNS gene. While this is not anticipated to result in nonsense mediated decay, it is expected to disrupt the last 58 amino acid(s) of the CTNS protein. This variant is present in population databases (rs786204420, gnomAD 0.007%). This premature translational stop signal has been observed in individual(s) with cystinosis (PMID: 9792862, 12204010, 12442267, 27734949). In at least one individual the data is consistent with being in trans (on the opposite chromosome) from a pathogenic variant. This variant is also known as 1261insG, S310Q. ClinVar contains an entry for this variant (Variation ID: 188714). For these reasons, this variant has been classified as Pathogenic.

Blueprint Genetics
Classification: Pathogenic for CTNS-related disorders. Last evaluated: 2024-11-06. Review status: criteria provided, single submitter. Criteria: ACMG Guidelines, 2015. Collection method: clinical testing. Allele origin: germline. Affected: yes. Observed: 2 variant alleles.

Fulgent Genetics
Classification: Pathogenic for Ocular cystinosis; Nephropathic cystinosis; Juvenile nephropathic cystinosis. Last evaluated: 2024-04-25. Review status: criteria provided, single submitter. Criteria: ACMG Guidelines, 2015. Collection method: clinical testing. Allele origin: germline.

Baylor Genetics
Classification: Pathogenic for Nephropathic cystinosis. Last evaluated: 2024-03-13. Review status: criteria provided, single submitter. Criteria: ACMG Guidelines, 2015. Collection method: clinical testing. Allele origin: unknown.

Women's Health and Genetics/Laboratory Corporation of America, LabCorp
Classification: Pathogenic for Cystinosis. Last evaluated: 2018-11-29. Review status: criteria provided, single submitter. Criteria: LabCorp Variant Classification Summary - May 2015. Collection method: clinical testing. Allele origin: germline.
Comment: Variant summary: CTNS c.926dupG (p.Ser310GlnfsX55) results in a premature termination codon, predicted to cause a truncation of the encoded protein or absence of the protein due to nonsense mediated decay, which are commonly known mechanisms for disease. The variant allele was found at a frequency of 5.9e-06 in 336774 control chromosomes (gnomAD and publications). c.926dupG has been reported in the literature in multiple homozygote and compound heterozygote individuals affected with Cystinosis (Besouw_2012, Kalatzis_2002, Kiehntopf_2002, Shotelersuk_1998). These data indicate that the variant is very likely to be associated with disease. No clinical diagnostic laboratories have submitted clinical-significance assessments for this variant to ClinVar after 2014. Based on the evidence outlined above, the variant was classified as pathogenic.

Counsyl
Classification: Likely pathogenic for Cystinosis. Last evaluated: 2014-03-07. Review status: no assertion criteria provided. Collection method: literature only. Allele origin: unknown. Inheritance: Autosomal recessive inheritance. Not counted in ClinVar's aggregate classification.

Literature cited by the submitters: PubMed 11528232 (cited by Natera, Inc.); PubMed 9792862 (cited by 4 submitters); PubMed 12204010 (cited by Labcorp Genetics (formerly Invitae), Labcorp and Women's Health and Genetics/Laboratory Corporation of America, LabCorp); PubMed 12442267 (cited by Labcorp Genetics (formerly Invitae), Labcorp and Women's Health and Genetics/Laboratory Corporation of America, LabCorp); PubMed 27734949 (cited by Labcorp Genetics (formerly Invitae), Labcorp); PubMed 27533158 (cited by Women's Health and Genetics/Laboratory Corporation of America, LabCorp); PubMed 22664570 (cited by Women's Health and Genetics/Laboratory Corporation of America, LabCorp).

NM_004937.3(CTNS):c.926dup (p.Ser310fs)

Gene: CTNS (cystinosin, lysosomal cystine transporter; plus strand). Cytogenetic location: 17p13.2.
Variant type: Duplication.
Coding change: c.926dup on transcript NM_004937.3 (MANE Select); coding-DNA position 926, one base duplicated (G; older notation c.926dupG).
Protein change: p.Ser310fs; shifts the reading frame from serine 310.
Molecular consequence: frameshift variant.
Genome position (GRCh38, 1-based): chr17:3,659,931, G duplicated; the last of 5 consecutive G bases (chr17:3,659,927-3,659,931); duplicating any one gives the same sequence. VCF-style (leftmost placement, unchanged base first): chr17-3659926-C-CG. GRCh37 (hg19) VCF-style: chr17-3563220-C-CG.
Other names: c.926dupG (NM_004937.3); c.926dup (NM_004937.2); c.926dup, p.Ser310fs (NM_001031681.3, NM_001374492.1); c.485dup, p.Ser163fs (NM_001374493.1, NM_001374494.1, NM_001374495.1 and 1 more transcripts); short protein forms S310fs, S163fs.
Identifiers: ClinVar variation 188714 (VCV000188714.21), dbSNP rs786204420, ClinGen allele CA278465.